The following is an entry in ClinVar:

ClinVar aggregate classification (germline): Conflicting classifications of pathogenicity. Review status: criteria provided, conflicting classifications (1 of 4 stars). 2 submissions from 2 submitters: Uncertain significance (1); Likely benign (1). Last evaluated 2023-07-17.

Allele frequency attached by ClinVar (database versions not stated): ExAC 0.00005; gnomAD exomes 0.00007; gnomAD 0.00011; TOPMed 0.00014; 1000 Genomes Project 30x 0.00016; 1000 Genomes Project 0.00020.
gnomAD v4.1: 113 of 1,539,656 alleles (0.0073%); highest among the groups gnomAD compares: Admixed American, 0.034%; no homozygotes.

Submissions (2):

Labcorp Genetics (formerly Invitae), Labcorp
Classification: Uncertain significance. Last evaluated: 2023-07-17. Review status: criteria provided, single submitter. Criteria: Invitae Variant Classification Sherloc (09022015). Collection method: clinical testing. Allele origin: germline.
Comment: This sequence change replaces threonine, which is neutral and polar, with methionine, which is neutral and non-polar, at codon 1103 of the WDR87 protein (p.Thr1103Met). This variant is present in population databases (rs542731017, gnomAD 0.05%). This variant has not been reported in the literature in individuals affected with WDR87-related conditions. ClinVar contains an entry for this variant (Variation ID: 2189887). Algorithms developed to predict the effect of missense changes on protein structure and function output the following: SIFT: "Not Available"; PolyPhen-2: "Benign"; Align-GVGD: "Not Available". The methionine amino acid residue is found in multiple mammalian species, which suggests that this missense change does not adversely affect protein function. In summary, the available evidence is currently insufficient to determine the role of this variant in disease. Therefore, it has been classified as a Variant of Uncertain Significance.

Ambry Genetics
Classification: Likely benign. Last evaluated: 2021-07-09. Review status: criteria provided, single submitter. Criteria: Ambry Variant Classification Scheme 2023. Collection method: clinical testing. Allele origin: germline.

NM_001291088.2(WDR87):c.3425C>T (p.Thr1142Met)

Gene: WDR87 (WD repeat domain 87; minus strand). Cytogenetic location: 19q13.13.
Variant type: single nucleotide variant.
Coding change: c.3425C>T on transcript NM_001291088.2 (MANE Select); coding-DNA position 3425, C replaced by T.
Protein change: p.Thr1142Met; replaces threonine 1142 with methionine.
Molecular consequence: missense variant.
Genome position (GRCh38, 1-based): chr19:37,890,246, G>A on the plus strand (C>T on the coding strand, the complement: WDR87 is on the minus strand). VCF-style: chr19-37890246-G-A. GRCh37 (hg19) VCF-style: chr19-38380886-G-A.
Other names: c.3308C>T (NM_031951.3); c.3308C>T, p.Thr1103Met (NM_031951.5); short protein forms T1103M, T1142M.
Identifiers: ClinVar variation 2189887 (VCV002189887.5), dbSNP rs542731017, ClinGen allele CA9408722.